The following is an entry in ClinVar:

ClinVar aggregate classification (germline): Uncertain significance (1 of 4 stars; one submission).

Conditions:
Dystonia 12 (DYT12). Also called: DYT-ATP1A3; Rapid-Onset Dystonia-Parkinsonism (RDP). Identifiers: Orphanet 71517, MedGen C1868681, MONDO:0007496, OMIM 128235.

Submission:

Labcorp Genetics (formerly Invitae), Labcorp
Classification: Uncertain significance for Dystonia 12. Last evaluated: 2023-10-04. Review status: criteria provided, single submitter. Criteria: Invitae Variant Classification Sherloc (09022015). Collection method: clinical testing. Allele origin: germline.
Comment: This sequence change replaces glutamine, which is neutral and polar, with histidine, which is basic and polar, at codon 644 of the ATP1A3 protein (p.Gln644His). This variant is not present in population databases (gnomAD no frequency). This variant has not been reported in the literature in individuals affected with ATP1A3-related conditions. Advanced modeling of protein sequence and biophysical properties (such as structural, functional, and spatial information, amino acid conservation, physicochemical variation, residue mobility, and thermodynamic stability) has been performed at Invitae for this missense variant, however the output from this modeling did not meet the statistical confidence thresholds required to predict the impact of this variant on ATP1A3 protein function. In summary, the available evidence is currently insufficient to determine the role of this variant in disease. Therefore, it has been classified as a Variant of Uncertain Significance.

NM_152296.5(ATP1A3):c.1932G>C (p.Gln644His)

Gene: ATP1A3 (ATPase Na+/K+ transporting subunit alpha 3; minus strand). Cytogenetic location: 19q13.2.
Variant type: single nucleotide variant.
Coding change: c.1932G>C on transcript NM_152296.5 (MANE Select); coding-DNA position 1932, G replaced by C.
Protein change: p.Gln644His; replaces glutamine 644 with histidine.
Molecular consequence: missense variant.
Genome position (GRCh38, 1-based): chr19:41,977,947, C>G on the plus strand (G>C on the coding strand, the complement: ATP1A3 is on the minus strand). VCF-style: chr19-41977947-C-G. GRCh37 (hg19) VCF-style: chr19-42482099-C-G.
Other names: c.1965G>C, p.Gln655His (NM_001256213.2); c.1971G>C, p.Gln657His (NM_001256214.2); short protein forms Q644H, Q657H, Q655H.
Identifiers: ClinVar variation 2765138 (VCV002765138.3), dbSNP rs1599715062, ClinGen allele CA406044826.